The following is an entry in ClinVar:

ClinVar aggregate classification (germline): Uncertain significance (1 of 4 stars; one submission).

Conditions:
Autosomal dominant familial hematuria-retinal arteriolar tortuosity-contractures syndrome. Also called: Angiopathy, hereditary, with nephropathy, aneurysms, and muscle cramps; Hereditary Angiopathy with Nephropathy, Aneurysms, and Muscle Cramps (HANAC) Syndrome. Identifiers: Orphanet 73229, MedGen C2673195, MONDO:0012726, OMIM 611773.

gnomAD v4.1: 1 of 1,614,138 alleles (0.000062%); highest among the groups gnomAD compares: Non-Finnish European, 0.000085%; no homozygotes.

Submission:

MVZ Medizinische Genetik Mainz
Classification: Uncertain significance for Autosomal dominant familial hematuria-retinal arteriolar tortuosity-contractures syndrome. Last evaluated: 2022-07-20. Review status: criteria provided, single submitter. Criteria: UK Practice Guidelines For Variant Classification V4 01 2020. Collection method: clinical testing. Allele origin: germline. Inheritance: Autosomal dominant inheritance. Affected: yes. Observed: 1 variant allele.
Comment: ACMG Criteria: PM2_SUP, PP3

NM_001845.6(COL4A1):c.858+4A>G

Gene: COL4A1 (collagen type IV alpha 1 chain; minus strand). Cytogenetic location: 13q34.
Variant type: single nucleotide variant.
Coding change: c.858+4A>G on transcript NM_001845.6 (MANE Select); 4 bases into the intron after coding-DNA position 858, A replaced by G.
Molecular consequence: intron variant.
Genome position (GRCh38, 1-based): chr13:110,206,661, T>C on the plus strand (A>G on the coding strand, the complement: COL4A1 is on the minus strand). VCF-style: chr13-110206661-T-C. GRCh37 (hg19) VCF-style: chr13-110859008-T-C.
Other names: c.858+4A>G (NM_001303110.2).
Identifiers: ClinVar variation 3236786 (VCV003236786.1), dbSNP rs916106593.